The following is an entry in ClinVar:

ClinVar aggregate classification (germline): Uncertain significance (1 of 4 stars; one submission).

Conditions:
Giant axonal neuropathy 1 (GAN1). Also called: GIANT AXONAL NEUROPATHY 1, AUTOSOMAL RECESSIVE; GAN-Related Neurodegeneration. Identifiers: Orphanet 643, MedGen C1850386, MONDO:0009749, OMIM 256850.

Allele frequency attached by ClinVar (database versions not stated): gnomAD exomes below 0.00001; TOPMed below 0.00001.
gnomAD v4.1: 3 of 1,613,564 alleles (0.00019%); highest among the groups gnomAD compares: Non-Finnish European, 0.00025%; no homozygotes.

Submission:

Labcorp Genetics (formerly Invitae), Labcorp
Classification: Uncertain significance for Giant axonal neuropathy 1. Last evaluated: 2018-09-17. Review status: criteria provided, single submitter. Criteria: Invitae Variant Classification Sherloc (09022015). Collection method: clinical testing. Allele origin: germline.
Comment: This sequence change replaces serine with alanine at codon 492 of the GAN protein (p.Ser492Ala). The serine residue is highly conserved and there is a moderate physicochemical difference between serine and alanine. This variant is not present in population databases (ExAC no frequency). In summary, the available evidence is currently insufficient to determine the role of this variant in disease. Therefore, it has been classified as a Variant of Uncertain Significance. Algorithms developed to predict the effect of missense changes on protein structure and function are either unavailable or do not agree on the potential impact of this missense change (SIFT: "Deleterious"; PolyPhen-2: "Benign"; Align-GVGD: "Class C0"). This variant has not been reported in the literature in individuals with GAN-related disease.

NM_022041.4(GAN):c.1474T>G (p.Ser492Ala)

Gene: GAN (gigaxonin; plus strand). Cytogenetic location: 16q23.2.
Variant type: single nucleotide variant.
Coding change: c.1474T>G on transcript NM_022041.4 (MANE Select); coding-DNA position 1474, T replaced by G.
Protein change: p.Ser492Ala; replaces serine 492 with alanine.
Molecular consequence: missense variant.
Genome position (GRCh38, 1-based): chr16:81,365,450, T>G. VCF-style: chr16-81365450-T-G. GRCh37 (hg19) VCF-style: chr16-81399055-T-G.
Other names: c.835T>G, p.Ser279Ala (NM_001377486.1); short protein forms S492A, S279A.
Identifiers: ClinVar variation 651914 (VCV000651914.7), dbSNP rs1597407371, ClinGen allele CA396891463.